The following is an entry in ClinVar:

ClinVar aggregate classification (germline): Uncertain significance (1 of 4 stars; one submission).

Conditions:
Primary ciliary dyskinesia 33. Also called: CILIARY DYSKINESIA, PRIMARY, 33, WITHOUT SITUS INVERSUS. Identifiers: Orphanet 244, MedGen C4225230, MONDO:0014750, OMIM 616726.

gnomAD v4.1: 48 of 1,613,556 alleles (0.003%); highest among the groups gnomAD compares: Non-Finnish European, 0.0037%; no homozygotes.

Submission:

Labcorp Genetics (formerly Invitae), Labcorp
Classification: Uncertain significance for Primary ciliary dyskinesia 33. Last evaluated: 2025-07-27. Review status: criteria provided, single submitter. Criteria: Invitae Variant Classification Sherloc (09022015). Collection method: clinical testing. Allele origin: germline.
Comment: This sequence change falls in intron 3 of the GAS8 gene. It does not directly change the encoded amino acid sequence of the GAS8 protein. It affects a nucleotide within the consensus splice site. This variant is present in population databases (rs376239328, gnomAD 0.004%). This variant has not been reported in the literature in individuals affected with GAS8-related conditions. Variants that disrupt the consensus splice site are a relatively common cause of aberrant splicing (PMID: 17576681, 9536098). Algorithms developed to predict the effect of sequence changes on RNA splicing suggest that this variant is not likely to affect RNA splicing. In summary, the available evidence is currently insufficient to determine the role of this variant in disease. Therefore, it has been classified as a Variant of Uncertain Significance.

Literature cited by the submitters: PubMed 17576681; PubMed 9536098.

NM_001481.3(DRC4):c.289-3C>T

Gene: DRC4 (dynein regulatory complex subunit 4; plus strand). Cytogenetic location: 16q24.3.
Variant type: single nucleotide variant.
Coding change: c.289-3C>T on transcript NM_001481.3 (MANE Select); 3 bases into the intron before coding-DNA position 289, C replaced by T.
Molecular consequence: intron variant.
Genome position (GRCh38, 1-based): chr16:90,032,715, C>T. VCF-style: chr16-90032715-C-T. GRCh37 (hg19) VCF-style: chr16-90099123-C-T.
Other names: c.214-3C>T (NM_001286209.2); c.40-3C>T (NM_001286205.2); c.-233-3C>T (NM_001286208.2).
Identifiers: ClinVar variation 4787470 (VCV004787470.1).